The following is an entry in ClinVar:

NM_001001888.4(VCX3B):c.603G>A (p.Glu201=)

Gene: VCX3B (variable charge X-linked 3B; plus strand). Cytogenetic location: Xp22.31.
Variant type: single nucleotide variant.
Coding change: c.603G>A on transcript NM_001001888.4 (MANE Select); coding-DNA position 603, G replaced by A.
Protein change: p.Glu201=; no amino-acid change (glutamic acid 201 retained).
Molecular consequence: synonymous variant.
Genome position (GRCh38, 1-based): chrX:8,466,245, G>A. VCF-style: chrX-8466245-G-A. GRCh37 (hg19) VCF-style: chrX-8434286-G-A.
Identifiers: ClinVar variation 2659939 (VCV002659939.24), dbSNP rs374404584, ClinGen allele CA10343363.

ClinVar aggregate classification (germline): Likely benign (1 of 4 stars; one submission).

Allele frequency attached by ClinVar (database versions not stated): ExAC 0.00007; ESP Exome Variant Server 0.00033.

Submission:

CeGaT Center for Human Genetics Tuebingen
Classification: Likely benign. Last evaluated: 2025-11-01. Review status: criteria provided, single submitter. Criteria: CeGaT Center For Human Genetics Tuebingen Variant Classification Criteria Version 2. Collection method: clinical testing. Allele origin: germline. Affected: yes. Observed: 2 variant alleles.
Comment: VCX3B: BP4, BP7